The following is an entry in ClinVar:

ClinVar aggregate classification (germline): Uncertain significance (1 of 4 stars; one submission).

Allele frequency attached by ClinVar (database versions not stated): gnomAD exomes below 0.00001; gnomAD 0.00001.
gnomAD v4.1: 3 of 1,613,994 alleles (0.00019%); highest among the groups gnomAD compares: Non-Finnish European, 0.00025%; no homozygotes.

Submission:

Labcorp Genetics (formerly Invitae), Labcorp
Classification: Uncertain significance. Last evaluated: 2023-10-13. Review status: criteria provided, single submitter. Criteria: Invitae Variant Classification Sherloc (09022015). Collection method: clinical testing. Allele origin: germline.
Comment: This sequence change replaces proline, which is neutral and non-polar, with histidine, which is basic and polar, at codon 174 of the NSMCE3 protein (p.Pro174His). This variant is not present in population databases (gnomAD no frequency). This variant has not been reported in the literature in individuals affected with NSMCE3-related conditions. ClinVar contains an entry for this variant (Variation ID: 2054404). Advanced modeling of protein sequence and biophysical properties (such as structural, functional, and spatial information, amino acid conservation, physicochemical variation, residue mobility, and thermodynamic stability) has been performed at Invitae for this missense variant, however the output from this modeling did not meet the statistical confidence thresholds required to predict the impact of this variant on NSMCE3 protein function. In summary, the available evidence is currently insufficient to determine the role of this variant in disease. Therefore, it has been classified as a Variant of Uncertain Significance.

NM_138704.4(NSMCE3):c.521C>A (p.Pro174His)

Genes: ENTREP2 (endosomal transmembrane epsin interactor 2; minus strand), NSMCE3 (NSE3 component of SMC5/6 complex; minus strand). Cytogenetic location: 15q13.1.
Variant type: single nucleotide variant.
Coding change: c.521C>A on transcript NM_138704.4 (MANE Select); coding-DNA position 521, C replaced by A.
Protein change: p.Pro174His; replaces proline 174 with histidine.
Molecular consequence: missense variant. On other transcripts: intron variant (5).
Genome position (GRCh38, 1-based): chr15:29,269,185, G>T on the plus strand (C>A on the coding strand, the complement: NSMCE3 is on the minus strand). VCF-style: chr15-29269185-G-T. GRCh37 (hg19) VCF-style: chr15-29561389-G-T.
Other names: c.-12-16707C>A (NM_001387217.1, NM_001387215.1, NM_001387216.1); c.277-16707C>A (NM_001387214.1, NM_015307.2); short protein forms P174H.
Identifiers: ClinVar variation 2054404 (VCV002054404.4), dbSNP rs1362875564, ClinGen allele CA391484067.